The following is an entry in ClinVar:

ClinVar aggregate classification (germline): Uncertain significance. Review status: criteria provided, multiple submitters, no conflicts (2 of 4 stars). 2 submissions from 2 submitters: Uncertain significance (2). Last evaluated 2026-01-19.

Allele frequency attached by ClinVar (database versions not stated): ExAC 0.00001; gnomAD exomes 0.00002; gnomAD 0.00005; TOPMed 0.00007.
gnomAD v4.1: 19 of 1,607,014 alleles (0.0012%); highest among the groups gnomAD compares: Admixed American, 0.019%; no homozygotes.

Submissions (2):

Labcorp Genetics (formerly Invitae), Labcorp
Classification: Uncertain significance. Last evaluated: 2026-01-19. Review status: criteria provided, single submitter. Criteria: Invitae Variant Classification Sherloc (09022015). Collection method: clinical testing. Allele origin: germline.
Comment: This sequence change replaces glutamine with histidine at codon 193 of the IFT88 protein (p.Gln193His). The glutamine residue is highly conserved and there is a small physicochemical difference between glutamine and histidine. This variant is present in population databases (rs776380570, gnomAD 0.01%). This variant has not been reported in the literature in individuals affected with IFT88-related conditions. ClinVar contains an entry for this variant (Variation ID: 1429053). An algorithm developed to predict the effect of missense changes on protein structure and function (PolyPhen-2) suggests that this variant is likely to be disruptive. In summary, the available evidence is currently insufficient to determine the role of this variant in disease. Therefore, it has been classified as a Variant of Uncertain Significance.

Ambry Genetics
Classification: Uncertain significance. Last evaluated: 2024-08-11. Review status: criteria provided, single submitter. Criteria: Ambry Variant Classification Scheme 2023. Collection method: clinical testing. Allele origin: germline.

NM_006531.5(IFT88):c.552A>C (p.Gln184His)

Gene: IFT88 (intraflagellar transport 88; plus strand). Cytogenetic location: 13q12.11.
Variant type: single nucleotide variant.
Coding change: c.552A>C on transcript NM_006531.5 (MANE Select); coding-DNA position 552, A replaced by C.
Protein change: p.Gln184His; replaces glutamine 184 with histidine.
Molecular consequence: missense variant. On other transcripts: 5 prime UTR variant (1), non-coding transcript variant (5).
Genome position (GRCh38, 1-based): chr13:20,597,077, A>C. VCF-style: chr13-20597077-A-C. GRCh37 (hg19) VCF-style: chr13-21171216-A-C.
Other names: c.495A>C, p.Gln165His (NM_001318491.2, NM_001353573.2, NM_001353574.2 and 1 more transcripts); c.579A>C, p.Gln193His (NM_001318493.2, NM_001353565.2, NM_001353566.2 and 6 more transcripts); c.552A>C, p.Gln184His (NM_001353568.2, NM_001353571.2, NM_001353572.2 and 1 more transcripts); c.-82A>C (NM_001353579.2); c.579A>C (NM_175605.3); short protein forms Q165H, Q184H, Q193H.
Identifiers: ClinVar variation 1429053 (VCV001429053.7), dbSNP rs776380570, ClinGen allele CA6905123.